The following is an entry in ClinVar:

ClinVar aggregate classification (germline): Conflicting classifications of pathogenicity. Review status: criteria provided, conflicting classifications (1 of 4 stars). 2 submissions from 2 submitters: Uncertain significance (1); Benign (1). Last evaluated 2025-06-24.

Conditions:
CHARGE syndrome (CHARGE). Also called: Hittner Hirsch Kreh syndrome; CHARGE ASSOCIATION--COLOBOMA, HEART ANOMALY, CHOANAL ATRESIA, RETARDATION, GENITAL AND EAR ANOMALIES; Coloboma, heart anomaly, choanal atresia, retardation, genital and ear anomalies; CHARGE association; Hall-Hittner syndrome. Identifiers: Orphanet 138, MedGen C0265354, MONDO:0008965.

Allele frequency attached by ClinVar (database versions not stated): gnomAD exomes 0.00001; ExAC 0.00002.
gnomAD v4.1: 9 of 1,612,100 alleles (0.00056%); highest among the groups gnomAD compares: South Asian, 0.0022%; no homozygotes.

Submissions (2):

Labcorp Genetics (formerly Invitae), Labcorp
Classification: Benign for CHARGE syndrome. Last evaluated: 2025-06-24. Review status: criteria provided, single submitter. Criteria: Invitae Variant Classification Sherloc (09022015). Collection method: clinical testing. Allele origin: germline.

GeneDx
Classification: Uncertain significance. Last evaluated: 2025-05-23. Review status: criteria provided, single submitter. Criteria: GeneDx Variant Classification Process June 2021. Collection method: clinical testing. Allele origin: germline. Affected: yes.
Comment: Not observed at significant frequency in large population cohorts (gnomAD); In silico analysis supports that this missense variant has a deleterious effect on protein structure/function; Has not been previously published as pathogenic or benign to our knowledge

NM_017780.4(CHD7):c.4895G>A (p.Arg1632His)

Gene: CHD7 (chromodomain helicase DNA binding protein 7; plus strand). Cytogenetic location: 8q12.2.
Variant type: single nucleotide variant.
Coding change: c.4895G>A on transcript NM_017780.4 (MANE Select); coding-DNA position 4895, G replaced by A.
Protein change: p.Arg1632His; replaces arginine 1632 with histidine.
Molecular consequence: missense variant. On other transcripts: intron variant (1).
Genome position (GRCh38, 1-based): chr8:60,844,908, G>A. VCF-style: chr8-60844908-G-A. GRCh37 (hg19) VCF-style: chr8-61757467-G-A.
Other names: c.1717-17321G>A (NM_001316690.1); short protein forms R1632H.
Identifiers: ClinVar variation 2155565 (VCV002155565.5), dbSNP rs775776506, ClinGen allele CA4760229.